The following is an entry in ClinVar:

NM_004972.4(JAK2):c.1691G>T (p.Arg564Leu)

Genes: INSL6 (insulin like 6; minus strand), JAK2 (Janus kinase 2; plus strand). Cytogenetic location: 9p24.1.
Variant type: single nucleotide variant.
Coding change: c.1691G>T on transcript NM_004972.4 (MANE Select); coding-DNA position 1691, G replaced by T.
Protein change: p.Arg564Leu; replaces arginine 564 with leucine.
Molecular consequence: missense variant. On other transcripts: non-coding transcript variant (2).
Genome position (GRCh38, 1-based): chr9:5,072,541, G>T. VCF-style: chr9-5072541-G-T. GRCh37 (hg19) VCF-style: chr9-5072541-G-T.
Other names: c.1691G>T (NM_004972.3); c.1691G>T, p.Arg564Leu (NM_001322194.2, NM_001322195.2, NM_001322196.2); c.476G>T, p.Arg159Leu (NM_001322198.2, NM_001322199.2); c.1244G>T, p.Arg415Leu (NM_001322204.2); short protein forms R564L, R159L, R415L.
Identifiers: ClinVar variation 376706 (VCV000376706.11), dbSNP rs368927897, ClinGen allele CA4971934.

ClinVar aggregate classification (germline): Uncertain significance. Review status: criteria provided, multiple submitters, no conflicts (2 of 4 stars). 5 submissions from 5 submitters: Uncertain significance (4). 1 of the submissions does not count toward it. Last evaluated 2026-02-01.

Conditions:
JAK2-related disorder. Also called: JAK2-related condition.

Allele frequency attached by ClinVar (database versions not stated): TOPMed 0.00002; ExAC 0.00009; ESP Exome Variant Server 0.00015.
gnomAD v4.1: 106 of 1,608,098 alleles (0.0066%); highest among the groups gnomAD compares: Middle Eastern, 0.05%; no homozygotes.

Submissions (5):

Labcorp Genetics (formerly Invitae), Labcorp
Classification: Uncertain significance. Last evaluated: 2026-02-01. Review status: criteria provided, single submitter. Criteria: Invitae Variant Classification Sherloc (09022015). Collection method: clinical testing. Allele origin: germline.
Comment: This sequence change replaces arginine, which is basic and polar, with leucine, which is neutral and non-polar, at codon 564 of the JAK2 protein (p.Arg564Leu). This variant is present in population databases (rs368927897, gnomAD 0.03%). This missense change has been observed in individual(s) with thrombocythemia (PMID: 39657124). ClinVar contains an entry for this variant (Variation ID: 376706). Invitae Evidence Modeling of protein sequence and biophysical properties (such as structural, functional, and spatial information, amino acid conservation, physicochemical variation, residue mobility, and thermodynamic stability) indicates that this missense variant is not expected to disrupt JAK2 protein function with a negative predictive value of 80%. This variant disrupts the p.Arg564 amino acid residue in JAK2. Other variant(s) that disrupt this residue have been determined to be pathogenic (PMID: 24381227; internal data). This suggests that this residue is clinically significant, and that variants that disrupt this residue are likely to be disease-causing. In summary, the available evidence is currently insufficient to determine the role of this variant in disease. Therefore, it has been classified as a Variant of Uncertain Significance.

PreventionGenetics, part of Exact Sciences
Classification: Uncertain significance for JAK2-related condition. Last evaluated: 2025-06-25. Review status: criteria provided, single submitter. Criteria: ACMG Guidelines, 2015. Collection method: clinical testing. Allele origin: germline.
Comment: The JAK2 c.1691G>T variant is predicted to result in the amino acid substitution p.Arg564Leu. This variant has been reported in individuals with chronic myeloproliferative neoplasias (Ma et al. 2009. PubMed ID: 19074595), thrombocythemia (Stewart et al. 2025. PubMed ID: 39657124), and macrocytic anemia (Delio et al. 2023. PubMed ID: 36810551). An alternate missense change at the same amino acid position (p.Arg564Gln) has been reported in individuals affected with autosomal dominant essential thrombocytosis and shown to impact protein function (Etheridge et al. 2014. PubMed ID: 24381227). This variant is reported in 0.029% of alleles in individuals of Ashkenazi Jewish descent in gnomAD and is consistently interpreted as uncertain in ClinVar. Although we suspect that this variant may be pathogenic, at this time, the clinical significance of this variant is uncertain due to the absence of conclusive functional and genetic evidence.

Blueprint Genetics
Classification: Uncertain significance. Last evaluated: 2024-11-01. Review status: criteria provided, single submitter. Criteria: ACMG Guidelines, 2015. Collection method: clinical testing. Allele origin: germline.

GeneDx
Classification: Uncertain significance. Last evaluated: 2023-08-03. Review status: criteria provided, single submitter. Criteria: GeneDx Variant Classification Process June 2021. Collection method: clinical testing. Allele origin: germline. Affected: yes.
Comment: Identified in blood and/or bone marrow samples from individuals with myeloproliferative neoplasms (PMID: 19074595, 30811597, 36810551); In silico analysis supports that this missense variant does not alter protein structure/function; This variant is associated with the following publications: (PMID: 24381227, 36810551, 19744331, 19074595, 30811597)

Department of Pathology and Laboratory Medicine, Sinai Health System
Classification: Uncertain significance. Review status: no assertion criteria provided. Collection method: clinical testing. Allele origin: unknown. Affected: yes. Study: The Canadian Open Genetics Repository (COGR). Not counted in ClinVar's aggregate classification.
Comment: The JAK2 p.Arg564Leu variant was identified in the literature in 3 of 20,000 samples from patients with suspected Myeloproliferative Neoplasias (Ma_2009_PMID:19074595). The variant was also identified in dbSNP (ID: rs368927897) and ClinVar (classified as likely pathogenic by Database of Curated Mutations (DoCM) for Myeloproliferative disorder as a somatic mutation). The variant was identified in control databases in 17 of 280934 chromosomes at a frequency of 0.00006051 (Genome Aggregation Database March 6, 2019, v2.1.1). The variant was observed in the following populations: Ashkenazi Jewish in 3 of 10314 chromosomes (freq: 0.000291), European (non-Finnish) in 12 of 128456 chromosomes (freq: 0.000093) and South Asian in 2 of 30264 chromosomes (freq: 0.000066), but was not observed in the African, Latino, East Asian, European (Finnish), or Other populations. The p.Arg564 residue is conserved across mammals and other organisms, and computational analyses (PolyPhen-2, SIFT, AlignGVGD, BLOSUM, MutationTaster) suggest that the variant may impact the protein; however, this information is not predictive enough to assume pathogenicity. The variant occurs outside of the splicing consensus sequence and three of four in silico or computational prediction software programs (SpliceSiteFinder, MaxEntScan, NNSPLICE, GeneSplicer) do not predict a greater than 10% difference in splicing; this is not very predictive of pathogenicity. In summary, based on the above information the clinical significance of this variant cannot be determined with certainty at this time. This variant is classified as a variant of uncertain significance.

Literature cited by the submitters: PubMed 39657124 (cited by Labcorp Genetics (formerly Invitae), Labcorp); PubMed 24381227 (cited by Labcorp Genetics (formerly Invitae), Labcorp).